The following is an entry in ClinVar:

NM_001042498.2(SLC35A2):c.-36dupT

Gene: SLC35A2 (solute carrier family 35 member A2; minus strand). Cytogenetic location: Xp11.23.
Variant type: Duplication.
Coding change: c.-36dupT on transcript NM_001042498.2; 36 bases upstream of the start codon, one base duplicated (T).
Molecular consequence: intron variant (on NM_001282648.2).
Genome position (GRCh38, 1-based): chrX:48,911,672, A duplicated on the plus strand (T on the coding strand, the reverse complement: SLC35A2 is on the minus strand); the first of 5 consecutive A bases (chrX:48,911,672-48,911,676); duplicating any one gives the same sequence. VCF-style (leftmost placement, unchanged base first): chrX-48911671-G-GA. GRCh37 (hg19) VCF-style: chrX-48768948-G-GA.
Other names: c.19+187dup (NM_001282648.2); c.-36dup (NM_001042498.2).
Identifiers: ClinVar variation 507096 (VCV000507096.3), dbSNP rs1224725818, ClinGen allele CA658799744.

ClinVar aggregate classification (germline): Likely benign (1 of 4 stars; one submission).

Submission:

GeneDx
Classification: Likely benign. Last evaluated: 2017-02-09. Review status: criteria provided, single submitter. Criteria: GeneDx Variant Classification (06012015). Collection method: clinical testing. Allele origin: germline. Affected: yes.
Comment: This variant is considered likely benign or benign based on one or more of the following criteria: it is a conservative change, it occurs at a poorly conserved position in the protein, it is predicted to be benign by multiple in silico algorithms, and/or has population frequency not consistent with disease.